The following is an entry in ClinVar:

ClinVar aggregate classification (germline): Uncertain significance (3 of 4 stars; one submission).

Conditions:
Monogenic diabetes. Identifiers: Orphanet 183625, MedGen C3888631, MONDO:0015967.

Submission:

ClinGen Monogenic Diabetes Variant Curation Expert Panel
Classification: Uncertain significance for Monogenic diabetes. Last evaluated: 2025-02-14. Review status: reviewed by expert panel. Criteria: ClinGen Diabetes ACMG Specifications HNF1A V2.1.0. Collection method: curation. Allele origin: germline. Inheritance: Autosomal dominant inheritance.
Comment: The c.521_526del variant in the HNF1 homeobox A gene, HNF1A, is a six base pair deletion resulting in the in-frame deletion of three amino acids at codons 174 to 176 followed by the insertion of glutamic acid (p.(Ala174_Gln176delinsGlu)) within exon 2 of NM_000545.8. The c.521_526del variant is an in-frame deletion predicted to result in the deletion of two amino acids (Gln175 and Gln176) (as well as the replacement of Ala174 with Glu174) (PM4). This variant is located within a conserved region of the DNA binding domain (codons 107-174 and 201-280) of HNF1A, which is defined as critical for the protein’s function by the ClinGen MDEP (PM1_Supporting). This variant is absent from gnomAD v2.1.1 (PM2_Supporting). In summary, c.521_526del meets the criteria to be classified as a variant of uncertain significance for monogenic diabetes. ACMG/AMP criteria applied, as specified by the ClinGen MDEP (specification version 2.1.0, approved 8/11/2023): PM4, PM1_Supporting, PM2_Supporting.

NM_000545.8(HNF1A):c.521_526del (p.Ala174_Gln176delinsGlu)

Gene: HNF1A (HNF1 homeobox A; plus strand). Cytogenetic location: 12q24.31.
Variant type: Deletion.
Coding change: c.521_526del on transcript NM_000545.8 (MANE Select); coding-DNA positions 521 to 526, 6 bases deleted (CGCAGC; older notation c.521_526delCGCAGC).
Protein change: p.Ala174_Gln176delinsGlu.
Molecular consequence: inframe indel.
Genome position (GRCh38, 1-based): chr12:120,989,027-120,989,032, CGCAGC deleted. VCF-style (leftmost placement, unchanged base first): chr12-120989026-GCGCAGC-G. GRCh37 (hg19) VCF-style: chr12-121426829-GCGCAGC-G.
Other names: NM_001306179.2:c.521_526del; c.521_526del, p.Ala174_Gln176delinsGlu (NM_001306179.2, NM_001406915.1).
Identifiers: ClinVar variation 3893277 (VCV003893277.1).